The following is an entry in ClinVar:

NM_000059.4(BRCA2):c.6276del (p.His2093fs)

Gene: BRCA2 (BRCA2 DNA repair associated; plus strand). Cytogenetic location: 13q13.1.
Variant type: Deletion.
Coding change: c.6276del on transcript NM_000059.4 (MANE Select); coding-DNA position 6276, one base deleted (T; older notation c.6276delT).
Protein change: p.His2093fs; shifts the reading frame from histidine 2093.
Molecular consequence: frameshift variant.
Genome position (GRCh38, 1-based): chr13:32,340,631, T deleted; the last of 2 consecutive T bases (chr13:32,340,630-32,340,631); deleting either gives the same sequence. VCF-style (leftmost placement, unchanged base first): chr13-32340629-CT-C. GRCh37 (hg19) VCF-style: chr13-32914766-CT-C.
Other names: c.6276delT (NM_000059.3); short protein forms H2093fs.
Identifiers: ClinVar variation 52044 (VCV000052044.3), dbSNP rs397507837, ClinGen allele CA023810.

ClinVar aggregate classification (germline): Pathogenic. Review status: reviewed by expert panel (3 of 4 stars). 2 submissions from 2 submitters: Pathogenic (1). 1 of the submissions does not count toward it. Last evaluated 2017-12-15.

Conditions:
Familial cancer of breast. Also called: BREAST CANCER, FAMILIAL; Hereditary breast cancer; hereditary breast carcinoma. Identifiers: Orphanet 227535, MedGen C0346153, MONDO:0016419, OMIM 114480. Disease mechanism: loss of function.
Breast-ovarian cancer, familial, susceptibility to, 2 (BROVCA2). Also called: BRCA2 Hereditary Breast and Ovarian Cancer. Identifiers: Orphanet 145, MedGen C2675520, MONDO:0012933, OMIM 612555. Disease mechanism: loss of function.

Submissions (2):

Evidence-based Network for the Interpretation of Germline Mutant Alleles (ENIGMA)
Classification: Pathogenic for Breast-ovarian cancer, familial, susceptibility to, 2. Last evaluated: 2017-12-15. Review status: reviewed by expert panel. Criteria: ENIGMA BRCA1/2 Classification Criteria (2017-06-29). Collection method: curation. Allele origin: germline. Study: ENIGMA.
Comment: Variant allele predicted to encode a truncated non-functional protein.

ClinVar Staff, National Center for Biotechnology Information (NCBI)
No classification provided. Condition: Familial cancer of breast. Review status: no classification provided. Collection method: literature only. Allele origin: germline. Affected: yes. Not counted in ClinVar's aggregate classification.

Literature cited by the submitters: PubMed 10498392 (cited by ClinVar Staff, National Center for Biotechnology Information (NCBI)).